The following is an entry in ClinVar:

ClinVar aggregate classification (germline): Pathogenic (1 of 4 stars; one submission).

Conditions:
Osteogenesis imperfecta type I (OI1). Also called: Lobstein disease; Lobstein's Disease; OI, TYPE I; OSTEOGENESIS IMPERFECTA TARDA; OSTEOGENESIS IMPERFECTA WITH BLUE SCLERAE; Osteogenesis imperfecta type 1. Identifiers: Orphanet 216796, Orphanet 666, MedGen C0023931, MONDO:0008146, OMIM 166200. Disease mechanism: loss of function.

Submission:

Labcorp Genetics (formerly Invitae), Labcorp
Classification: Pathogenic for Osteogenesis imperfecta type I. Last evaluated: 2023-05-26. Review status: criteria provided, single submitter. Criteria: Invitae Variant Classification Sherloc (09022015). Collection method: clinical testing. Allele origin: germline.
Comment: For these reasons, this variant has been classified as Pathogenic. A similar copy number variant has been observed in individuals with autosomal dominant osteogenesis imperfecta (Invitae). This variant results in a copy number gain of the genomic region encompassing exon(s) 2-51 of the COL1A1 gene. This region includes the termination codon of the gene. This copy number gain extends beyond the assayed region for this gene and therefore may encompass additional genes. As the precise location of this event is unknown, it may be in tandem or it may be located elsewhere in the genome.

NC_000017.10:g.(?_48262863)_(48277328_?)dup

Gene: COL1A1 (collagen type I alpha 1 chain; minus strand). Cytogenetic location: 17q21.33.
Variant type: Duplication.
Identifiers: ClinVar variation 1490386 (VCV001490386.5).